The following is an entry in ClinVar:

ClinVar aggregate classification (germline): Pathogenic (1 of 4 stars; one submission).

Conditions:
Usher syndrome type 1 (USH1). Also called: RETINITIS PIGMENTOSA AND CONGENITAL DEAFNESS. Identifiers: Orphanet 231169, Orphanet 886, MedGen C1568247, MONDO:0010168, OMIM 276900.

Submission:

Myriad Genetics, Inc.
Classification: Pathogenic for Usher syndrome type 1. Last evaluated: 2025-10-27. Review status: criteria provided, single submitter. Criteria: Myriad Autosomal Dominant, Autosomal Recessive and X-Linked Classification Criteria (2023). Collection method: clinical testing. Allele origin: unknown.
Comment: NM_000260.3(MYO7A):c.1967_1970delTGCG(L656Rfs*5) is expected to be pathogenic in the context of MYO7A-related disorders. This variant is predicted to lead to an abnormal or absent protein product due to the creation of a premature termination codon in MYO7A, a gene where loss-of-function variants are known to be pathogenic. Please note: this variant was assessed in the context of healthy population screening.

NM_000260.4(MYO7A):c.1967_1970del (p.Leu656fs)

Gene: MYO7A (myosin VIIA; plus strand). Cytogenetic location: 11q13.5.
Variant type: Deletion.
Coding change: c.1967_1970del on transcript NM_000260.4 (MANE Select); coding-DNA positions 1967 to 1970, 4 bases deleted (TGCG; older notation c.1967_1970delTGCG).
Protein change: p.Leu656fs; shifts the reading frame from leucine 656.
Molecular consequence: frameshift variant.
Genome position (GRCh38, 1-based): chr11:77,174,787-77,174,790, TGCG deleted. VCF-style (leftmost placement, unchanged base first): chr11-77174786-CTGCG-C. GRCh37 (hg19) VCF-style: chr11-76885832-CTGCG-C.
Other names: c.1967_1970del, p.Leu656fs (NM_001127180.2); c.1934_1937del, p.Leu645fs (NM_001369365.1); short protein forms L645fs, L656fs.
Identifiers: ClinVar variation 5015144 (VCV005015144.1).